The following is an entry in ClinVar:

NM_183235.3(RAB27A):c.153+94G>A

Gene: RAB27A (RAB27A, member RAS oncogene family; minus strand). Cytogenetic location: 15q21.3.
Variant type: single nucleotide variant.
Coding change: c.153+94G>A on transcript NM_183235.3 (MANE Select); 94 bases into the intron after coding-DNA position 153, G replaced by A.
Molecular consequence: intron variant.
Genome position (GRCh38, 1-based): chr15:55,234,688, C>T on the plus strand (G>A on the coding strand, the complement: RAB27A is on the minus strand). VCF-style: chr15-55234688-C-T. GRCh37 (hg19) VCF-style: chr15-55526886-C-T.
Other names: c.153+94G>A (NM_001438970.1, NM_001438977.1, NM_001438981.1 and 11 more transcripts).
Identifiers: ClinVar variation 1226402 (VCV001226402.6), dbSNP rs72742261, ClinGen allele CA14081484.
Genomic context (GRCh38, chr15:55,234,688, plus strand): 5'-TCATGTTGCCTGGATTGAACATAACTCACTTTCATATGTACCTTTAATTTCAGATCCCAA[C>T]CTTTGTCCTCCTAATTCCTACAAAGTAAACTAAACAGACCAGCAAATGTTGACTTAACGA-3'

ClinVar aggregate classification (germline): Benign. Review status: criteria provided, multiple submitters, no conflicts (2 of 4 stars). 3 submissions from 3 submitters: Benign (3). Last evaluated 2023-11-12.

Allele frequency attached by ClinVar (database versions not stated): gnomAD 0.22938 and 0.23911; TOPMed 0.24650; gnomAD exomes 0.29027; 1000 Genomes Project 30x 0.29981; 1000 Genomes Project 0.30791.
gnomAD v4.1: 387,630 of 1,359,918 alleles (29%); highest among the groups gnomAD compares: East Asian, 65%; 61,288 homozygotes.

Submissions (3):

Unidad de Genómica Garrahan, Hospital de Pediatría Garrahan
Classification: Benign. Last evaluated: 2023-11-12. Review status: criteria provided, single submitter. Criteria: ACMG Guidelines, 2015. Collection method: clinical testing. Allele origin: germline. Affected: no. Observed: 41 variant alleles.
Comment: This variant is classified as Benign based on local population frequency. This variant was detected in 43% of patients studied by a panel of primary immunodeficiencies. Number of patients: 41. Only high quality variants are reported.

GeneDx
Classification: Benign. Last evaluated: 2021-06-19. Review status: criteria provided, single submitter. Criteria: GeneDx Variant Classification Process June 2021. Collection method: clinical testing. Allele origin: germline. Affected: yes.

Breakthrough Genomics
Classification: Benign. Review status: criteria provided, single submitter. Criteria: ACMG Guidelines, 2015. Collection method: not provided. Allele origin: germline. Inheritance: Autosomal recessive inheritance. Affected: yes.